The following is an entry in ClinVar:

ClinVar aggregate classification (germline): Likely benign. Review status: criteria provided, multiple submitters, no conflicts (2 of 4 stars). 3 submissions from 3 submitters: Likely benign (2). 1 of the submissions does not count toward it. Last evaluated 2025-07-16.

Conditions:
VPS13C-related disorder. Also called: VPS13C-related condition.

Allele frequency attached by ClinVar (database versions not stated): ExAC 0.00003; gnomAD 0.00006; TOPMed 0.00006.
gnomAD v4.1: 264 of 1,606,356 alleles (0.016%); highest among the groups gnomAD compares: Non-Finnish European, 0.022%; no homozygotes.

Submissions (3):

Labcorp Genetics (formerly Invitae), Labcorp
Classification: Likely benign. Last evaluated: 2025-07-16. Review status: criteria provided, single submitter. Criteria: Invitae Variant Classification Sherloc (09022015). Collection method: clinical testing. Allele origin: germline.

Blueprint Genetics
Classification: Likely benign. Last evaluated: 2024-04-23. Review status: criteria provided, single submitter. Criteria: ACMG Guidelines, 2015. Collection method: clinical testing. Allele origin: germline.

PreventionGenetics, part of Exact Sciences
Classification: Likely benign for VPS13C-related condition. Last evaluated: 2019-09-19. Review status: no assertion criteria provided. Collection method: clinical testing. Allele origin: germline. Not counted in ClinVar's aggregate classification.
Comment: This variant is classified as likely benign based on ACMG/AMP sequence variant interpretation guidelines (Richards et al. 2015 PMID: 25741868, with internal and published modifications).

NM_020821.3(VPS13C):c.3018A>G (p.Gln1006=)

Gene: VPS13C (vacuolar protein sorting 13 homolog C; minus strand). Cytogenetic location: 15q22.2.
Variant type: single nucleotide variant.
Coding change: c.3018A>G on transcript NM_020821.3 (MANE Select); coding-DNA position 3018, A replaced by G.
Protein change: p.Gln1006=; no amino-acid change (glutamine 1006 retained).
Molecular consequence: synonymous variant.
Genome position (GRCh38, 1-based): chr15:61,966,116, T>C on the plus strand (A>G on the coding strand, the complement: VPS13C is on the minus strand). VCF-style: chr15-61966116-T-C. GRCh37 (hg19) VCF-style: chr15-62258315-T-C.
Other names: c.3018A>G (NM_020821.2); c.3018A>G, p.Gln1006= (NM_001018088.3); c.2889A>G, p.Gln963= (NM_017684.5, NM_018080.4).
Identifiers: ClinVar variation 2061002 (VCV002061002.7), dbSNP rs199767085, ClinGen allele CA7596514.
Genomic context (GRCh38, chr15:61,966,116, plus strand): 5'-ATAAATTCCTTTAACAGAATTTCTTACCTTAACTGTTTGTTCAGTTTTTCCAAAAGCAGT[T>C]TGAAAACTAGGTCCATTCTTATCAGCCTGAAAAAAGAAGTAAAAGTTCTAAAGAAGGTAC-3'
Protein context (NP_065872.1, residues 996-1016): IKADKNGPSF[Gln1006=]TAFGKTEQTV